The following is an entry in ClinVar:

ClinVar aggregate classification (germline): Uncertain significance (1 of 4 stars; one submission).

Allele frequency attached by ClinVar (database versions not stated): TOPMed 0.00001; gnomAD exomes 0.00002.
gnomAD v4.1: 23 of 1,604,136 alleles (0.0014%); highest among the groups gnomAD compares: Non-Finnish European, 0.002%; no homozygotes.

Submission:

Labcorp Genetics (formerly Invitae), Labcorp
Classification: Uncertain significance. Last evaluated: 2023-02-14. Review status: criteria provided, single submitter. Criteria: Invitae Variant Classification Sherloc (09022015). Collection method: clinical testing. Allele origin: germline.
Comment: This sequence change replaces asparagine, which is neutral and polar, with serine, which is neutral and polar, at codon 130 of the PSMG2 protein (p.Asn130Ser). This variant is not present in population databases (gnomAD no frequency). This variant has not been reported in the literature in individuals affected with PSMG2-related conditions. Algorithms developed to predict the effect of missense changes on protein structure and function output the following: SIFT: "Tolerated"; PolyPhen-2: "Benign"; Align-GVGD: "Class C0". The serine amino acid residue is found in multiple mammalian species, which suggests that this missense change does not adversely affect protein function. In summary, the available evidence is currently insufficient to determine the role of this variant in disease. Therefore, it has been classified as a Variant of Uncertain Significance.

NM_020232.5(PSMG2):c.389A>G (p.Asn130Ser)

Gene: PSMG2 (proteasome assembly chaperone 2; plus strand). Cytogenetic location: 18p11.21.
Variant type: single nucleotide variant.
Coding change: c.389A>G on transcript NM_020232.5 (MANE Select); coding-DNA position 389, A replaced by G.
Protein change: p.Asn130Ser; replaces asparagine 130 with serine.
Molecular consequence: missense variant.
Genome position (GRCh38, 1-based): chr18:12,718,617, A>G. VCF-style: chr18-12718617-A-G. GRCh37 (hg19) VCF-style: chr18-12718616-A-G.
Other names: c.296A>G, p.Asn99Ser (NM_147163.2); short protein forms N130S, N99S.
Identifiers: ClinVar variation 3001849 (VCV003001849.3), dbSNP rs1224347472, ClinGen allele CA401967610.